The following is an entry in ClinVar:

ClinVar aggregate classification (germline): Uncertain significance. Review status: criteria provided, multiple submitters, no conflicts (2 of 4 stars). 4 submissions from 4 submitters: Uncertain significance (4). Last evaluated 2025-10-02.

Conditions:
Inborn genetic diseases. Identifiers: MedGen C0950123, MeSH D030342.
Imerslund-Grasbeck syndrome. Also called: ENTEROCYTE COBALAMIN MALABSORPTION; ENTEROCYTE INTRINSIC FACTOR RECEPTOR, DEFECT OF; PERNICIOUS ANEMIA, JUVENILE, DUE TO SELECTIVE INTESTINAL MALABSORPTION OF VITAMIN B12, WITH PROTEINURIA; Imerslund-Gräsbeck syndrome; Megaloblastic anemia due to inborn errors of metabolism. Identifiers: Orphanet 35858, MedGen C4551825, MONDO:0009853.
Imerslund-Grasbeck syndrome type 1 (IGS1). Also called: Imerslund-Gräsbeck syndrome 1; Megaloblastic anemia 1, Finnish type; MEGALOBLASTIC ANEMIA, 1. Identifiers: MedGen C4016819, MONDO:0100156, OMIM 261100.
Proteinuria, chronic benign. Identifiers: MedGen C5394384, MONDO:0030042, OMIM 618884.

Allele frequency attached by ClinVar (database versions not stated): gnomAD 0.00006; ExAC 0.00002; TOPMed 0.00006.
gnomAD v4.1: 121 of 1,613,770 alleles (0.0075%); highest among the groups gnomAD compares: Non-Finnish European, 0.0092%; no homozygotes.

Submissions (4):

Labcorp Genetics (formerly Invitae), Labcorp
Classification: Uncertain significance for Imerslund-Grasbeck syndrome. Last evaluated: 2025-10-02. Review status: criteria provided, single submitter. Criteria: Invitae Variant Classification Sherloc (09022015). Collection method: clinical testing. Allele origin: germline.
Comment: This sequence change replaces valine, which is neutral and non-polar, with glycine, which is neutral and non-polar, at codon 2004 of the CUBN protein (p.Val2004Gly). This variant is present in population databases (rs766657231, gnomAD 0.006%). This variant has not been reported in the literature in individuals affected with CUBN-related conditions. ClinVar contains an entry for this variant (Variation ID: 2141758). Invitae Evidence Modeling of protein sequence and biophysical properties (such as structural, functional, and spatial information, amino acid conservation, physicochemical variation, residue mobility, and thermodynamic stability) indicates that this missense variant is not expected to disrupt CUBN protein function with a negative predictive value of 80%. In summary, the available evidence is currently insufficient to determine the role of this variant in disease. Therefore, it has been classified as a Variant of Uncertain Significance.

Ambry Genetics
Classification: Uncertain significance for Inborn genetic diseases. Last evaluated: 2025-09-27. Review status: criteria provided, single submitter. Criteria: Ambry Variant Classification Scheme 2023. Collection method: clinical testing. Allele origin: germline.

ARUP Laboratories, Molecular Genetics and Genomics, ARUP Laboratories
Classification: Uncertain significance. Last evaluated: 2024-07-01. Review status: criteria provided, single submitter. Criteria: ARUP Molecular Germline Variant Investigation Process 2024. Collection method: clinical testing. Allele origin: germline.
Comment: The CUBN c.6011T>G; p.Val2004Gly variant (rs766657231), to our knowledge, is not reported in the medical literature but is reported in ClinVar (Variation ID: 2141758). This variant is observed in the general population with an overall allele frequency of 0.003% (8/282612 alleles) in the Genome Aggregation Database (v2.1.1). Computational analyses predict that this variant is neutral (REVEL: 0.067). Due to limited information, the clinical significance of this variant is uncertain at this time.

Fulgent Genetics
Classification: Uncertain significance for Imerslund-Grasbeck syndrome type 1; Proteinuria, chronic benign. Last evaluated: 2024-04-20. Review status: criteria provided, single submitter. Criteria: ACMG Guidelines, 2015. Collection method: clinical testing. Allele origin: germline.

NM_001081.4(CUBN):c.6011T>G (p.Val2004Gly)

Gene: CUBN (cubilin; minus strand). Cytogenetic location: 10p13.
Variant type: single nucleotide variant.
Coding change: c.6011T>G on transcript NM_001081.4 (MANE Select); coding-DNA position 6011, T replaced by G.
Protein change: p.Val2004Gly; replaces valine 2004 with glycine.
Molecular consequence: missense variant.
Genome position (GRCh38, 1-based): chr10:16,933,200, A>C on the plus strand (T>G on the coding strand, the complement: CUBN is on the minus strand). VCF-style: chr10-16933200-A-C. GRCh37 (hg19) VCF-style: chr10-16975199-A-C.
Other names: short protein forms V2004G.
Identifiers: ClinVar variation 2141758 (VCV002141758.7), dbSNP rs766657231, ClinGen allele CA5423830.